The following is an entry in ClinVar:

ClinVar aggregate classification (germline): Benign (0 of 4 stars; one submission).

Conditions:
PXDNL-related disorder. Also called: PXDNL-related condition.

Allele frequency attached by ClinVar (database versions not stated): gnomAD 0.04116; ESP Exome Variant Server 0.04495; TOPMed 0.04565; 1000 Genomes Project 0.05172; 1000 Genomes Project 30x 0.05590.
gnomAD v4.1: 31,100 of 1,612,452 alleles (1.9%); highest among the groups gnomAD compares: African/African-American, 11%; 724 homozygotes.

Submission:

PreventionGenetics, part of Exact Sciences
Classification: Benign for PXDNL-related condition. Last evaluated: 2020-02-14. Review status: no assertion criteria provided. Collection method: clinical testing. Allele origin: germline.
Comment: This variant is classified as benign based on ACMG/AMP sequence variant interpretation guidelines (Richards et al. 2015 PMID: 25741868, with internal and published modifications).

NM_144651.5(PXDNL):c.3980T>A (p.Val1327Asp)

Gene: PXDNL (peroxidasin like; minus strand). Cytogenetic location: 8q11.22.
Variant type: single nucleotide variant.
Coding change: c.3980T>A on transcript NM_144651.5 (MANE Select); coding-DNA position 3980, T replaced by A.
Protein change: p.Val1327Asp; replaces valine 1327 with aspartic acid.
Molecular consequence: missense variant.
Genome position (GRCh38, 1-based): chr8:51,345,869, A>T on the plus strand (T>A on the coding strand, the complement: PXDNL is on the minus strand). VCF-style: chr8-51345869-A-T. GRCh37 (hg19) VCF-style: chr8-52258429-A-T.
Other names: short protein forms V1327D.
Identifiers: ClinVar variation 3056506 (VCV003056506.2), dbSNP rs11774588, ClinGen allele CA4744626.